The following is an entry in ClinVar:

NM_015898.4(ZBTB7A):c.328G>A (p.Ala110Thr)

Gene: ZBTB7A (zinc finger and BTB domain containing 7A; minus strand). Cytogenetic location: 19p13.3.
Variant type: single nucleotide variant.
Coding change: c.328G>A on transcript NM_015898.4 (MANE Select); coding-DNA position 328, G replaced by A.
Protein change: p.Ala110Thr; replaces alanine 110 with threonine.
Molecular consequence: missense variant.
Genome position (GRCh38, 1-based): chr19:4,054,905, C>T on the plus strand (G>A on the coding strand, the complement: ZBTB7A is on the minus strand). VCF-style: chr19-4054905-C-T. GRCh37 (hg19) VCF-style: chr19-4054903-C-T.
Other names: c.328G>A, p.Ala110Thr (NM_001317990.2); short protein forms A110T.
Identifiers: ClinVar variation 4883615 (VCV004883615.2).

ClinVar aggregate classification (germline): Uncertain significance (1 of 4 stars; one submission).

Submission:

Dasa
Classification: Uncertain significance. Last evaluated: 2025-10-21. Review status: criteria provided, single submitter. Criteria: DASA Assertion Criteria. Collection method: clinical testing. Allele origin: germline.
Comment: NM_015898.4(ZBTB7A):c.328G>A (p.Ala110Thr) is a missense variant that results in the substitution of alanine with threonine. The affected residue or protein region has prior evidence supporting clinical relevance. This variant is rare in population databases. The currently available literature and clinical evidence are not sufficient to establish a definitive association between this variant and the reported condition. Therefore, this variant is classified as a variant of uncertain significance.